The following is an entry in ClinVar:

NM_000435.3(NOTCH3):c.1439A>G (p.Asn480Ser)

Gene: NOTCH3 (notch receptor 3; minus strand). Cytogenetic location: 19p13.12.
Variant type: single nucleotide variant.
Coding change: c.1439A>G on transcript NM_000435.3 (MANE Select); coding-DNA position 1439, A replaced by G.
Protein change: p.Asn480Ser; replaces asparagine 480 with serine.
Molecular consequence: missense variant.
Genome position (GRCh38, 1-based): chr19:15,188,288, T>C on the plus strand (A>G on the coding strand, the complement: NOTCH3 is on the minus strand). VCF-style: chr19-15188288-T-C. GRCh37 (hg19) VCF-style: chr19-15299099-T-C.
Other names: short protein forms N480S.
Identifiers: ClinVar variation 4771037 (VCV004771037.2).

ClinVar aggregate classification (germline): Uncertain significance (1 of 4 stars; one submission).

gnomAD v4.1: 7 of 1,607,998 alleles (0.00044%); highest among the groups gnomAD compares: East Asian, 0.0089%; no homozygotes.

Submission:

Labcorp Genetics (formerly Invitae), Labcorp
Classification: Uncertain significance. Last evaluated: 2025-11-12. Review status: criteria provided, single submitter. Criteria: Invitae Variant Classification Sherloc (09022015). Collection method: clinical testing. Allele origin: germline.
Comment: This sequence change replaces asparagine, which is neutral and polar, with serine, which is neutral and polar, at codon 480 of the NOTCH3 protein (p.Asn480Ser). This variant is present in population databases (rs764890446, gnomAD 0.006%). This variant has not been reported in the literature in individuals affected with NOTCH3-related conditions. Invitae Evidence Modeling of protein sequence and biophysical properties (such as structural, functional, and spatial information, amino acid conservation, physicochemical variation, residue mobility, and thermodynamic stability) has been performed for this missense variant. However, the output from this modeling did not meet the statistical confidence thresholds required to predict the impact of this variant on NOTCH3 protein function. In summary, the available evidence is currently insufficient to determine the role of this variant in disease. Therefore, it has been classified as a Variant of Uncertain Significance.